The following is an entry in ClinVar:

ClinVar aggregate classification (germline): Uncertain significance. Review status: criteria provided, single submitter (1 of 4 stars). 2 submissions from 1 submitter: Uncertain significance (1). 1 of the submissions does not count toward it. Last evaluated 2024-03-23.

Conditions:
VPS25-related neurodevelopmental delay.

gnomAD v4.1: 1 of 1,614,154 alleles (0.000062%); highest among the groups gnomAD compares: Non-Finnish European, 0.000085%; no homozygotes.

Submissions (2):

Genomic Medicine Center of Excellence, King Faisal Specialist Hospital and Research Centre
Classification: Uncertain significance. Last evaluated: 2024-03-23. Review status: criteria provided, single submitter. Criteria: ACMG Guidelines, 2015. Collection method: clinical testing. Allele origin: germline.

Genomic Medicine Center of Excellence, King Faisal Specialist Hospital and Research Centre
Classification: Likely pathogenic for VPS25-related neurodevelopmental delay. Review status: flagged submission. Criteria: ACMG Guidelines, 2015. Collection method: research. Allele origin: germline. Affected: yes. Not counted in ClinVar's aggregate classification.
ClinVar note: Reason: This record appears to be redundant with a more recent record from the same submitter.
ClinVar note: Notes: SCV004190341 appears to be redundant with SCV004805863.

NM_032353.4(VPS25):c.22C>T (p.Pro8Ser)

Genes: VPS25 (vacuolar protein sorting 25 homolog; plus strand), LOC130060925 (ATAC-STARR-seq lymphoblastoid active region 12222; plus strand). Cytogenetic location: 17q21.2.
Variant type: single nucleotide variant.
Coding change: c.22C>T on transcript NM_032353.4 (MANE Select); coding-DNA position 22, C replaced by T.
Protein change: p.Pro8Ser; replaces proline 8 with serine.
Molecular consequence: missense variant.
Genome position (GRCh38, 1-based): chr17:42,773,497, C>T. VCF-style: chr17-42773497-C-T. GRCh37 (hg19) VCF-style: chr17-40925515-C-T.
Other names: short protein forms P8S.
Identifiers: ClinVar variation 2674698 (VCV002674698.2), dbSNP rs2543961908, ClinGen allele CA399634113.